The following is an entry in ClinVar:

ClinVar aggregate classification (germline): Uncertain significance (1 of 4 stars; one submission).

Submission:

Labcorp Genetics (formerly Invitae), Labcorp
Classification: Uncertain significance. Last evaluated: 2021-09-04. Review status: criteria provided, single submitter. Criteria: Invitae Variant Classification Sherloc (09022015). Collection method: clinical testing. Allele origin: germline.
Comment: In summary, the available evidence is currently insufficient to determine the role of this variant in disease. Therefore, it has been classified as a Variant of Uncertain Significance. Algorithms developed to predict the effect of missense changes on protein structure and function are either unavailable or do not agree on the potential impact of this missense change (SIFT: "Not Available"; PolyPhen-2: "Possibly Damaging"; Align-GVGD: "Not Available"). This variant has not been reported in the literature in individuals affected with FKBP10-related conditions. The frequency data for this variant in the population databases is not available, as this variant may be reported as separate entries in the ExAC database. This sequence change replaces proline with glutamine at codon 164 of the FKBP10 protein (p.Pro164Gln). The proline residue is highly conserved and there is a moderate physicochemical difference between proline and glutamine.

NM_021939.4(FKBP10):c.491_492delinsAA (p.Pro164Gln)

Gene: FKBP10 (FKBP prolyl isomerase 10; plus strand). Cytogenetic location: 17q21.2.
Variant type: Indel.
Coding change: c.491_492delinsAA on transcript NM_021939.4 (MANE Select); coding-DNA positions 491 to 492, CG replaced by AA.
Protein change: p.Pro164Gln; replaces proline 164 with glutamine.
Molecular consequence: missense variant.
Genome position (GRCh38, 1-based): chr17:41,818,188-41,818,189, CG replaced by AA. VCF-style: chr17-41818188-CG-AA. GRCh37 (hg19) VCF-style: chr17-39974440-CG-AA.
Other names: short protein forms P164Q.
Identifiers: ClinVar variation 1476070 (VCV001476070.6), dbSNP rs2144055589, ClinGen allele CA2573153765.